The following is an entry in ClinVar:

NM_001375405.1(CEP120):c.1431-5dup

Gene: CEP120 (centrosomal protein 120; minus strand). Cytogenetic location: 5q23.2.
Variant type: Duplication.
Coding change: c.1431-5dup on transcript NM_001375405.1 (MANE Select); 5 bases into the intron before coding-DNA position 1431, one base duplicated (T; older notation c.1431-5dupT).
Molecular consequence: intron variant.
Genome position (GRCh38, 1-based): chr5:123,386,672, A duplicated on the plus strand (T on the coding strand, the reverse complement: CEP120 is on the minus strand); the first of 2 consecutive A bases (chr5:123,386,672-123,386,673); duplicating either gives the same sequence. VCF-style (leftmost placement, unchanged base first): chr5-123386671-G-GA. GRCh37 (hg19) VCF-style: chr5-122722365-G-GA.
Other names: c.1353-5dup (NM_001166226.2); c.1431-5dup (NM_153223.4, NM_001375407.1); c.858-5dup (NM_001375408.1, NM_001375409.1); c.1296-5dup (NM_001375406.1).
Identifiers: ClinVar variation 3060475 (VCV003060475.3), dbSNP rs202020723, ClinGen allele CA126016774.
Genomic context (GRCh38, chr5:123,386,671, plus strand): 5'-TCTACAGGAGGATTAGTCATAATAGGAGCTGCACTTCCAAAGAATGGATATGAGTACCTA[G>GA]AATTTAAAAAAAAAAAAAAAAAAAAAAGCCTTAATGATATGGTTTACAGATGACATTCAG-3'

ClinVar aggregate classification (germline): Likely benign. Review status: criteria provided, single submitter (1 of 4 stars). 2 submissions from 2 submitters: Likely benign (1). 1 of the submissions does not count toward it. Last evaluated 2023-12-08.

Conditions:
CEP120-related disorder. Also called: CEP120-related condition; CEP120-Related Disorders.

Submissions (2):

Blueprint Genetics
Classification: Likely benign. Last evaluated: 2023-12-08. Review status: criteria provided, single submitter. Criteria: ACMG Guidelines, 2015. Collection method: clinical testing. Allele origin: germline.

PreventionGenetics, part of Exact Sciences
Classification: Likely benign for CEP120-related condition. Last evaluated: 2021-10-06. Review status: no assertion criteria provided. Collection method: clinical testing. Allele origin: germline. Not counted in ClinVar's aggregate classification.
Comment: This variant is classified as likely benign based on ACMG/AMP sequence variant interpretation guidelines (Richards et al. 2015 PMID: 25741868, with internal and published modifications).